The following is an entry in ClinVar:

ClinVar aggregate classification (germline): Uncertain significance (1 of 4 stars; one submission).

Allele frequency attached by ClinVar (database versions not stated): gnomAD exomes below 0.00001; ExAC 0.00001.
gnomAD v4.1: 1 of 1,613,980 alleles (0.000062%); highest among the groups gnomAD compares: Admixed American, 0.0017%; no homozygotes.

Submission:

Labcorp Genetics (formerly Invitae), Labcorp
Classification: Uncertain significance. Last evaluated: 2022-07-04. Review status: criteria provided, single submitter. Criteria: Invitae Variant Classification Sherloc (09022015). Collection method: clinical testing. Allele origin: germline.
Comment: In summary, the available evidence is currently insufficient to determine the role of this variant in disease. Therefore, it has been classified as a Variant of Uncertain Significance. Algorithms developed to predict the effect of missense changes on protein structure and function are either unavailable or do not agree on the potential impact of this missense change (SIFT: "Not Available"; PolyPhen-2: "Probably Damaging"; Align-GVGD: "Not Available"). This variant has not been reported in the literature in individuals affected with JAK1-related conditions. This variant is present in population databases (rs766239143, gnomAD 0.003%). This sequence change replaces arginine, which is basic and polar, with tryptophan, which is neutral and slightly polar, at codon 108 of the JAK1 protein (p.Arg108Trp).

NM_002227.4(JAK1):c.322C>T (p.Arg108Trp)

Gene: JAK1 (Janus kinase 1; minus strand). Cytogenetic location: 1p31.3.
Variant type: single nucleotide variant.
Coding change: c.322C>T on transcript NM_002227.4 (MANE Select); coding-DNA position 322, C replaced by T.
Protein change: p.Arg108Trp; replaces arginine 108 with tryptophan.
Molecular consequence: missense variant.
Genome position (GRCh38, 1-based): chr1:64,879,032, G>A on the plus strand (C>T on the coding strand, the complement: JAK1 is on the minus strand). VCF-style: chr1-64879032-G-A. GRCh37 (hg19) VCF-style: chr1-65344715-G-A.
Other names: c.322C>T, p.Arg108Trp (NM_001320923.2, NM_001321852.2, NM_001321853.2 and 4 more transcripts); short protein forms R108W.
Identifiers: ClinVar variation 2014023 (VCV002014023.4), dbSNP rs766239143, ClinGen allele CA893188.